The following is an entry in ClinVar:

ClinVar aggregate classification (germline): Uncertain significance (1 of 4 stars; one submission).

Conditions:
Cholestanol storage disease (CTX). Also called: CTX: Cerebrotendinous xanthomatosis; Cerebrotendinous Xanthomatosis; CEREBRAL CHOLESTERINOSIS. Identifiers: Orphanet 909, MedGen C0238052, MONDO:0008948, OMIM 213700.

Submission:

Labcorp Genetics (formerly Invitae), Labcorp
Classification: Uncertain significance for Cholestanol storage disease. Last evaluated: 2022-07-06. Review status: criteria provided, single submitter. Criteria: Invitae Variant Classification Sherloc (09022015). Collection method: clinical testing. Allele origin: germline.
Comment: Advanced modeling of protein sequence and biophysical properties (such as structural, functional, and spatial information, amino acid conservation, physicochemical variation, residue mobility, and thermodynamic stability) performed at Invitae indicates that this missense variant is not expected to disrupt CYP27A1 protein function. In summary, the available evidence is currently insufficient to determine the role of this variant in disease. Therefore, it has been classified as a Variant of Uncertain Significance. ClinVar contains an entry for this variant (Variation ID: 1518978). This variant has not been reported in the literature in individuals affected with CYP27A1-related conditions. This variant is not present in population databases (gnomAD no frequency). This sequence change replaces aspartic acid, which is acidic and polar, with glycine, which is neutral and non-polar, at codon 414 of the CYP27A1 protein (p.Asp414Gly).

NM_000784.4(CYP27A1):c.1241A>G (p.Asp414Gly)

Gene: CYP27A1 (cytochrome P450 family 27 subfamily A member 1; plus strand). Cytogenetic location: 2q35.
Variant type: single nucleotide variant.
Coding change: c.1241A>G on transcript NM_000784.4 (MANE Select); coding-DNA position 1241, A replaced by G.
Protein change: p.Asp414Gly; replaces aspartic acid 414 with glycine.
Molecular consequence: missense variant.
Genome position (GRCh38, 1-based): chr2:218,814,436, A>G. VCF-style: chr2-218814436-A-G. GRCh37 (hg19) VCF-style: chr2-219679159-A-G.
Other names: short protein forms D414G.
Identifiers: ClinVar variation 1518978 (VCV001518978.6), dbSNP rs2105981100, ClinGen allele CA350593366.